The following is an entry in ClinVar:

NM_000465.4(BARD1):c.1780G>A (p.Ala594Thr)

Gene: BARD1 (BRCA1 associated RING domain 1; minus strand). Cytogenetic location: 2q35.
Variant type: single nucleotide variant.
Coding change: c.1780G>A on transcript NM_000465.4 (MANE Select); coding-DNA position 1780, G replaced by A.
Protein change: p.Ala594Thr; replaces alanine 594 with threonine.
Molecular consequence: missense variant. On other transcripts: non-coding transcript variant (3), intron variant (1).
Genome position (GRCh38, 1-based): chr2:214,745,752, C>T on the plus strand (G>A on the coding strand, the complement: BARD1 is on the minus strand). VCF-style: chr2-214745752-C-T. GRCh37 (hg19) VCF-style: chr2-215610476-C-T.
Other names: c.1723G>A, p.Ala575Thr (NM_001282543.2); c.427G>A, p.Ala143Thr (NM_001282545.2); c.370G>A, p.Ala124Thr (NM_001282548.2); c.365-15244G>A (NM_001282549.2); short protein forms A124T, A143T, A575T, A594T.
Identifiers: ClinVar variation 4774797 (VCV004774797.1).

ClinVar aggregate classification (germline): Uncertain significance (1 of 4 stars; one submission).

Conditions:
Familial cancer of breast. Also called: BREAST CANCER, FAMILIAL; hereditary breast carcinoma; Hereditary breast cancer. Identifiers: Orphanet 227535, MedGen C0346153, MONDO:0016419, OMIM 114480. Disease mechanism: loss of function.

Submission:

Labcorp Genetics (formerly Invitae), Labcorp
Classification: Uncertain significance for Familial cancer of breast. Last evaluated: 2025-04-23. Review status: criteria provided, single submitter. Criteria: Invitae Variant Classification Sherloc (09022015). Collection method: clinical testing. Allele origin: germline.
Comment: This sequence change replaces alanine, which is neutral and non-polar, with threonine, which is neutral and polar, at codon 594 of the BARD1 protein (p.Ala594Thr). This variant is not present in population databases (gnomAD no frequency). This variant has not been reported in the literature in individuals affected with BARD1-related conditions. An algorithm developed to predict the effect of missense changes on protein structure and function (PolyPhen-2) suggests that this variant is likely to be disruptive. In summary, the available evidence is currently insufficient to determine the role of this variant in disease. Therefore, it has been classified as a Variant of Uncertain Significance.